The following is an entry in ClinVar:

ClinVar aggregate classification (germline): Uncertain significance. Review status: criteria provided, multiple submitters, no conflicts (2 of 4 stars). 3 submissions from 3 submitters: Uncertain significance (3). Last evaluated 2024-11-22.

Conditions:
Hyperekplexia 3 (HKPX3). Also called: HYPEREKPLEXIA 3, AUTOSOMAL RECESSIVE; HYPEREKPLEXIA 3, AUTOSOMAL DOMINANT. Identifiers: Orphanet 3197, MedGen C3553288, MONDO:0013827, OMIM 614618.
Inborn genetic diseases. Identifiers: MedGen C0950123, MeSH D030342.

Allele frequency attached by ClinVar (database versions not stated): gnomAD exomes below 0.00001; gnomAD 0.00006; TOPMed 0.00007.
gnomAD v4.1: 17 of 1,613,970 alleles (0.0011%); highest among the groups gnomAD compares: African/African-American, 0.019%; no homozygotes.

Submissions (3):

Ambry Genetics
Classification: Uncertain significance for Inborn genetic diseases. Last evaluated: 2024-11-22. Review status: criteria provided, single submitter. Criteria: Ambry Variant Classification Scheme 2023. Collection method: clinical testing. Allele origin: germline.

Labcorp Genetics (formerly Invitae), Labcorp
Classification: Uncertain significance for Hyperekplexia 3. Last evaluated: 2022-08-25. Review status: criteria provided, single submitter. Criteria: Invitae Variant Classification Sherloc (09022015). Collection method: clinical testing. Allele origin: germline.
Comment: In summary, the available evidence is currently insufficient to determine the role of this variant in disease. Therefore, it has been classified as a Variant of Uncertain Significance. Advanced modeling of protein sequence and biophysical properties (such as structural, functional, and spatial information, amino acid conservation, physicochemical variation, residue mobility, and thermodynamic stability) performed at Invitae indicates that this missense variant is not expected to disrupt SLC6A5 protein function. This variant has not been reported in the literature in individuals affected with SLC6A5-related conditions. This variant is present in population databases (no rsID available, gnomAD 0.02%). This sequence change replaces serine, which is neutral and polar, with glycine, which is neutral and non-polar, at codon 256 of the SLC6A5 protein (p.Ser256Gly).

Blueprint Genetics
Classification: Uncertain significance. Last evaluated: 2022-02-24. Review status: criteria provided, single submitter. Criteria: ACMG Guidelines, 2015. Collection method: clinical testing. Allele origin: germline.

NM_004211.5(SLC6A5):c.766A>G (p.Ser256Gly)

Gene: SLC6A5 (solute carrier family 6 member 5; plus strand). Cytogenetic location: 11p15.1.
Variant type: single nucleotide variant.
Coding change: c.766A>G on transcript NM_004211.5 (MANE Select); coding-DNA position 766, A replaced by G.
Protein change: p.Ser256Gly; replaces serine 256 with glycine.
Molecular consequence: missense variant.
Genome position (GRCh38, 1-based): chr11:20,607,093, A>G. VCF-style: chr11-20607093-A-G. GRCh37 (hg19) VCF-style: chr11-20628639-A-G.
Other names: c.64A>G, p.Ser22Gly (NM_001318369.2); c.766A>G (NM_004211.3); short protein forms S256G, S22G.
Identifiers: ClinVar variation 2053826 (VCV002053826.4), dbSNP rs1009087974, ClinGen allele CA218724026.